The following is an entry in ClinVar:

ClinVar aggregate classification (germline): Uncertain significance. Review status: criteria provided, multiple submitters, no conflicts (2 of 4 stars). 2 submissions from 2 submitters: Uncertain significance (2). Last evaluated 2023-06-15.

Conditions:
Carney complex, type 1 (CNC1). Also called: CARNEY COMPLEX, TYPE I; CARNEY MYXOMA-ENDOCRINE COMPLEX. Identifiers: Orphanet 1359, MedGen C2607929, MONDO:0008057, OMIM 160980.
Hereditary cancer-predisposing syndrome. Also called: Tumor predisposition; Hereditary neoplastic syndrome; Neoplastic Syndromes, Hereditary; Hereditary Cancer Syndrome. Identifiers: Orphanet 140162, MedGen C0027672, MeSH D009386, MONDO:0015356.

gnomAD v4.1: 1 of 1,614,032 alleles (0.000062%); no homozygotes.

Submissions (2):

Labcorp Genetics (formerly Invitae), Labcorp
Classification: Uncertain significance for Carney complex, type 1. Last evaluated: 2023-06-15. Review status: criteria provided, single submitter. Criteria: Invitae Variant Classification Sherloc (09022015). Collection method: clinical testing. Allele origin: germline.
Comment: ClinVar contains an entry for this variant (Variation ID: 845442). This variant has not been reported in the literature in individuals affected with PRKAR1A-related conditions. This variant is not present in population databases (gnomAD no frequency). This sequence change replaces alanine, which is neutral and non-polar, with valine, which is neutral and non-polar, at codon 62 of the PRKAR1A protein (p.Ala62Val). In summary, the available evidence is currently insufficient to determine the role of this variant in disease. Therefore, it has been classified as a Variant of Uncertain Significance. An algorithm developed to predict the effect of missense changes on protein structure and function (PolyPhen-2) suggests that this variant is likely to be tolerated.

Ambry Genetics
Classification: Uncertain significance for Hereditary cancer-predisposing syndrome. Last evaluated: 2022-04-01. Review status: criteria provided, single submitter. Criteria: Ambry Variant Classification Scheme 2023. Collection method: clinical testing. Allele origin: germline.
Comment: The p.A62V variant (also known as c.185C>T), located in coding exon 2 of the PRKAR1A gene, results from a C to T substitution at nucleotide position 185. The alanine at codon 62 is replaced by valine, an amino acid with similar properties. This amino acid position is conserved. In addition, this alteration is predicted to be tolerated by in silico analysis. Since supporting evidence is limited at this time, the clinical significance of this alteration remains unclear.

NM_002734.5(PRKAR1A):c.185C>T (p.Ala62Val)

Gene: PRKAR1A (protein kinase cAMP-dependent type I regulatory subunit alpha; plus strand). Cytogenetic location: 17q24.2.
Variant type: single nucleotide variant.
Coding change: c.185C>T on transcript NM_002734.5 (MANE Select); coding-DNA position 185, C replaced by T.
Protein change: p.Ala62Val; replaces alanine 62 with valine.
Molecular consequence: missense variant.
Genome position (GRCh38, 1-based): chr17:68,522,763, C>T. VCF-style: chr17-68522763-C-T. GRCh37 (hg19) VCF-style: chr17-66518904-C-T.
Other names: c.185C>T, p.Ala62Val (NM_001276289.2, NM_001276290.1, NM_001278433.2 and 4 more transcripts); short protein forms A62V.
Identifiers: ClinVar variation 845442 (VCV000845442.12), dbSNP rs2085656546, ClinGen allele CA400752170.
Genomic context (GRCh38, chr17:68,522,763, plus strand): 5'-GCCAGCTTTACATGCCGAAGGATCTCATTTTGCAAACTCGTAATTTCTTTCAGGAGGAGG[C>T]AAAACAGATTCAGAATCTGCAGAAAGCAGGCACTCGTACAGACTCAAGGGAGGATGAGAT-3'
Protein context (NP_002725.1, residues 52-72): EYFERLEKEE[Ala62Val]KQIQNLQKAG